The following is an entry in ClinVar:

NM_007294.4(BRCA1):c.1761A>C (p.Ile587=)

Gene: BRCA1 (BRCA1 DNA repair associated; minus strand). Cytogenetic location: 17q21.31.
Variant type: single nucleotide variant.
Coding change: c.1761A>C on transcript NM_007294.4 (MANE Select); coding-DNA position 1761, A replaced by C.
Protein change: p.Ile587=; no amino-acid change (isoleucine 587 retained).
Molecular consequence: synonymous variant. On other transcripts: intron variant (137).
Genome position (GRCh38, 1-based): chr17:43,093,770, T>G on the plus strand (A>C on the coding strand, the complement: BRCA1 is on the minus strand). VCF-style: chr17-43093770-T-G. GRCh37 (hg19) VCF-style: chr17-41245787-T-G.
Other names: c.1758A>C, p.Ile586= (NM_001407614.1, NM_001407615.1, NM_001407627.1 and 22 more transcripts); c.1761A>C, p.Ile587= (NM_001407616.1, NM_001407617.1, NM_001407618.1 and 30 more transcripts); c.1752A>C, p.Ile584= (NM_001407646.1, NM_001407647.1); c.1638A>C, p.Ile546= (NM_001407648.1, NM_001407664.1, NM_001407665.1 and 19 more transcripts); c.1635A>C, p.Ile545= (NM_001407649.1, NM_001407670.1, NM_001407671.1 and 11 more transcripts); c.1683A>C, p.Ile561= (NM_001407653.1, NM_001407654.1, NM_001407655.1 and 4 more transcripts); c.1680A>C, p.Ile560= (NM_001407659.1, NM_001407660.1, NM_001407661.1 and 1 more transcripts); c.1620A>C, p.Ile540= (NM_001407692.1, NM_001407694.1, NM_001407695.1 and 29 more transcripts); and 40 more.
Identifiers: ClinVar variation 389286 (VCV000389286.58), dbSNP rs1057523389, ClinGen allele CA16607275.

ClinVar aggregate classification (germline): Likely benign. Review status: reviewed by expert panel (3 of 4 stars). 5 submissions from 5 submitters: Likely benign (1). 4 of the submissions do not count toward it. Last evaluated 2017-06-29.

Conditions:
Hereditary breast ovarian cancer syndrome. Also called: Hereditary breast and ovarian cancer syndrome; Hereditary breast and/or ovarian cancer syndrome; Hereditary breast and ovarian cancer; Breast and ovarian cancer; BRCA1- and BRCA2-Associated Hereditary Breast and Ovarian Cancer; Hereditary breast and ovarian cancer syndrome (HBOC). Identifiers: Orphanet 145, MedGen C0677776, MeSH D061325, MONDO:0003582. Disease mechanism: loss of function.
Hereditary cancer-predisposing syndrome. Also called: Neoplastic Syndromes, Hereditary; Hereditary neoplastic syndrome; Tumor predisposition; Hereditary Cancer Syndrome. Identifiers: Orphanet 140162, MedGen C0027672, MeSH D009386, MONDO:0015356.
Breast-ovarian cancer, familial, susceptibility to, 1 (BROVCA1). Also called: OVARIAN CANCER, SUSCEPTIBILITY TO; BRCA1 Hereditary Breast and Ovarian Cancer. Identifiers: Orphanet 145, MedGen C2676676, MONDO:0011450, OMIM 604370. Disease mechanism: loss of function.

Allele frequency attached by ClinVar (database versions not stated): TOPMed below 0.00001.

Submissions (5):

Evidence-based Network for the Interpretation of Germline Mutant Alleles (ENIGMA)
Classification: Likely benign for Breast-ovarian cancer, familial, susceptibility to, 1. Last evaluated: 2017-06-29. Review status: reviewed by expert panel. Criteria: ENIGMA BRCA1/2 Classification Criteria (2017-06-29). Collection method: curation. Allele origin: germline.
Comment: Synonymous substitution variant, with low bioinformatic likelihood to result in a splicing aberration (Splicing prior probability 0.02).

Labcorp Genetics (formerly Invitae), Labcorp
Classification: Likely benign for Hereditary breast ovarian cancer syndrome. Last evaluated: 2024-09-19. Review status: criteria provided, single submitter. Criteria: Invitae Variant Classification Sherloc (09022015). Collection method: clinical testing. Allele origin: germline. Not counted in ClinVar's aggregate classification.

GeneDx
Classification: Likely benign. Last evaluated: 2019-12-23. Review status: criteria provided, single submitter. Criteria: GeneDx Variant Classification Process June 2021. Collection method: clinical testing. Allele origin: germline. Affected: yes. Not counted in ClinVar's aggregate classification.

Ambry Genetics
Classification: Likely benign for Hereditary cancer-predisposing syndrome. Last evaluated: 2019-10-29. Review status: criteria provided, single submitter. Criteria: Ambry Variant Classification Scheme 2023. Collection method: clinical testing. Allele origin: germline. Not counted in ClinVar's aggregate classification.

CeGaT Center for Human Genetics Tuebingen
Classification: Likely benign. Last evaluated: 2018-07-01. Review status: criteria provided, single submitter. Criteria: CeGaT Center For Human Genetics Tuebingen Variant Classification Criteria Version 2. Collection method: clinical testing. Allele origin: germline. Affected: yes. Observed: 1 variant allele. Not counted in ClinVar's aggregate classification.